The following is an entry in ClinVar:

NM_005677.4(COLQ):c.1031G>A (p.Arg344Lys)

Gene: COLQ (collagen like tail subunit of asymmetric acetylcholinesterase; minus strand). Cytogenetic location: 3p25.1.
Variant type: single nucleotide variant.
Coding change: c.1031G>A on transcript NM_005677.4 (MANE Select); coding-DNA position 1031, G replaced by A.
Protein change: p.Arg344Lys; replaces arginine 344 with lysine.
Molecular consequence: missense variant.
Genome position (GRCh38, 1-based): chr3:15,456,503, C>T on the plus strand (G>A on the coding strand, the complement: COLQ is on the minus strand). VCF-style: chr3-15456503-C-T. GRCh37 (hg19) VCF-style: chr3-15498010-C-T.
Other names: c.1001G>A, p.Arg334Lys (NM_080538.2); c.929G>A, p.Arg310Lys (NM_080539.4); short protein forms R344K, R310K, R334K.
Identifiers: ClinVar variation 948141 (VCV000948141.8), dbSNP rs149532541, ClinGen allele CA70601883.

ClinVar aggregate classification (germline): Uncertain significance. Review status: criteria provided, multiple submitters, no conflicts (2 of 4 stars). 2 submissions from 2 submitters: Uncertain significance (2). Last evaluated 2021-09-01.

Conditions:
Congenital myasthenic syndrome 5. Identifiers: Orphanet 590, MedGen C1864233, MONDO:0011281, OMIM 603034.

Allele frequency attached by ClinVar (database versions not stated): TOPMed below 0.00001; gnomAD exomes 0.00001; ESP Exome Variant Server 0.00008.
gnomAD v4.1: 6 of 1,614,204 alleles (0.00037%); highest among the groups gnomAD compares: Non-Finnish European, 0.00051%; no homozygotes.

Submissions (2):

Labcorp Genetics (formerly Invitae), Labcorp
Classification: Uncertain significance for Congenital myasthenic syndrome 5. Last evaluated: 2021-09-01. Review status: criteria provided, single submitter. Criteria: Invitae Variant Classification Sherloc (09022015). Collection method: clinical testing. Allele origin: germline.
Comment: This sequence change replaces arginine with lysine at codon 344 of the COLQ protein (p.Arg344Lys). The arginine residue is highly conserved and there is a small physicochemical difference between arginine and lysine. This variant is not present in population databases (ExAC no frequency). This variant has not been reported in the literature in individuals affected with COLQ-related conditions. Algorithms developed to predict the effect of missense changes on protein structure and function are either unavailable or do not agree on the potential impact of this missense change (SIFT: "Deleterious"; PolyPhen-2: "Not Available"; Align-GVGD: "Class C0"). In summary, the available evidence is currently insufficient to determine the role of this variant in disease. Therefore, it has been classified as a Variant of Uncertain Significance.

Blueprint Genetics
Classification: Uncertain significance. Last evaluated: 2017-10-14. Review status: criteria provided, single submitter. Criteria: ACMG Guidelines, 2015. Collection method: clinical testing. Allele origin: germline.